The following is an entry in ClinVar:

ClinVar aggregate classification (germline): Likely benign (1 of 4 stars; one submission).

gnomAD v4.1: 787 of 1,609,862 alleles (0.049%); highest among the groups gnomAD compares: East Asian, 1.7%; 7 homozygotes.

Submission:

Mayo Clinic Laboratories, Mayo Clinic
Classification: Likely benign. Last evaluated: 2025-09-08. Review status: criteria provided, single submitter. Criteria: ACMG Guidelines, 2015. Collection method: clinical testing. Allele origin: germline. Observed: 2 variant alleles.
Comment: BS1, BP4, BP7

NM_000392.5(ABCC2):c.3414+25T>C

Genes: ABCC2 (ATP binding cassette subfamily C member 2; plus strand), LOC126861013 (CDK7 strongly-dependent group 2 enhancer GRCh37_chr10:101593724-101594923; plus strand). Cytogenetic location: 10q24.2.
Variant type: single nucleotide variant.
Coding change: c.3414+25T>C on transcript NM_000392.5 (MANE Select); 25 bases into the intron after coding-DNA position 3414, T replaced by C.
Molecular consequence: intron variant.
Genome position (GRCh38, 1-based): chr10:99,834,560, T>C. VCF-style: chr10-99834560-T-C. GRCh37 (hg19) VCF-style: chr10-101594317-T-C.
Other names: p.?.
Identifiers: ClinVar variation 4683531 (VCV004683531.1).